The following is an entry in ClinVar:

NM_153460.4(IL17RC):c.103C>G (p.Pro35Ala)

Gene: IL17RC (interleukin 17 receptor C; plus strand). Cytogenetic location: 3p25.3.
Variant type: single nucleotide variant.
Coding change: c.103C>G on transcript NM_153460.4 (MANE Select); coding-DNA position 103, C replaced by G.
Protein change: p.Pro35Ala; replaces proline 35 with alanine.
Molecular consequence: missense variant. On other transcripts: non-coding transcript variant (1).
Genome position (GRCh38, 1-based): chr3:9,917,418, C>G. VCF-style: chr3-9917418-C-G. GRCh37 (hg19) VCF-style: chr3-9959102-C-G.
Other names: c.103C>G, p.Pro35Ala (NM_001203263.2, NM_001203264.2, NM_001203265.2 and 6 more transcripts); short protein forms P35A.
Identifiers: ClinVar variation 1980428 (VCV001980428.4), dbSNP rs1190758888, ClinGen allele CA351753266.

ClinVar aggregate classification (germline): Uncertain significance (1 of 4 stars; one submission).

Conditions:
Candidiasis, familial, 9 (CANDF9). Identifiers: Orphanet 1334, MedGen C4225324, MONDO:0014642, OMIM 616445.

Submission:

Labcorp Genetics (formerly Invitae), Labcorp
Classification: Uncertain significance for Candidiasis, familial, 9. Last evaluated: 2023-10-23. Review status: criteria provided, single submitter. Criteria: Invitae Variant Classification Sherloc (09022015). Collection method: clinical testing. Allele origin: germline.
Comment: This sequence change replaces proline, which is neutral and non-polar, with alanine, which is neutral and non-polar, at codon 35 of the IL17RC protein (p.Pro35Ala). This variant is not present in population databases (gnomAD no frequency). This variant has not been reported in the literature in individuals affected with IL17RC-related conditions. ClinVar contains an entry for this variant (Variation ID: 1980428). An algorithm developed to predict the effect of missense changes on protein structure and function (PolyPhen-2) suggests that this variant is likely to be disruptive. In summary, the available evidence is currently insufficient to determine the role of this variant in disease. Therefore, it has been classified as a Variant of Uncertain Significance.